The following is an entry in ClinVar:

NM_001370466.1(NOD2):c.2846C>T (p.Ala949Val)

Gene: NOD2 (nucleotide binding oligomerization domain containing 2; plus strand). Cytogenetic location: 16q12.1.
Variant type: single nucleotide variant.
Coding change: c.2846C>T on transcript NM_001370466.1 (MANE Select); coding-DNA position 2846, C replaced by T.
Protein change: p.Ala949Val; replaces alanine 949 with valine.
Molecular consequence: missense variant. On other transcripts: non-coding transcript variant (1).
Genome position (GRCh38, 1-based): chr16:50,725,533, C>T. VCF-style: chr16-50725533-C-T. GRCh37 (hg19) VCF-style: chr16-50759444-C-T.
Other names: c.2846C>T, p.Ala949Val (NM_001293557.2); c.2927C>T, p.Ala976Val (NM_022162.3); short protein forms A949V, A976V.
Identifiers: ClinVar variation 3749508 (VCV003749508.2).

ClinVar aggregate classification (germline): Uncertain significance (1 of 4 stars; one submission).

Conditions:
Blau syndrome (BLAUS). Also called: GRANULOMATOSIS, FAMILIAL JUVENILE SYSTEMIC; GRANULOMATOSIS, FAMILIAL, BLAU TYPE; GRANULOMATOUS INFLAMMATORY ARTHRITIS, DERMATITIS, AND UVEITIS, FAMILIAL; JABS SYNDROME; ARTHROCUTANEOUVEAL GRANULOMATOSIS. Identifiers: Orphanet 90340, MedGen C5201146, MONDO:0008523, OMIM 186580.
Regional enteritis. Also called: Enteritis, Granulomatous. Identifiers: MedGen C0678202, MeSH D003424.

gnomAD v4.1: 34 of 1,613,976 alleles (0.0021%); highest among the groups gnomAD compares: Non-Finnish European, 0.0027%; no homozygotes.

Submission:

Labcorp Genetics (formerly Invitae), Labcorp
Classification: Uncertain significance for Regional enteritis; Blau syndrome. Last evaluated: 2025-02-10. Review status: criteria provided, single submitter. Criteria: Invitae Variant Classification Sherloc (09022015). Collection method: clinical testing. Allele origin: germline.
Comment: This sequence change replaces alanine, which is neutral and non-polar, with valine, which is neutral and non-polar, at codon 976 of the NOD2 protein (p.Ala976Val). This variant is present in population databases (rs779522908, gnomAD 0.0009%). This variant has not been reported in the literature in individuals affected with NOD2-related conditions. Invitae Evidence Modeling of protein sequence and biophysical properties (such as structural, functional, and spatial information, amino acid conservation, physicochemical variation, residue mobility, and thermodynamic stability) indicates that this missense variant is not expected to disrupt NOD2 protein function with a negative predictive value of 95%. In summary, the available evidence is currently insufficient to determine the role of this variant in disease. Therefore, it has been classified as a Variant of Uncertain Significance.